The following is an entry in ClinVar:

NM_005257.6(GATA6):c.183G>A (p.Gly61=)

Gene: GATA6 (GATA binding protein 6; plus strand). Cytogenetic location: 18q11.2.
Variant type: single nucleotide variant.
Coding change: c.183G>A on transcript NM_005257.6 (MANE Select); coding-DNA position 183, G replaced by A.
Protein change: p.Gly61=; no amino-acid change (glycine 61 retained).
Molecular consequence: synonymous variant.
Genome position (GRCh38, 1-based): chr18:22,171,327, G>A. VCF-style: chr18-22171327-G-A. GRCh37 (hg19) VCF-style: chr18-19751288-G-A.
Identifiers: ClinVar variation 412727 (VCV000412727.14), dbSNP rs377217497, ClinGen allele CA8908838.

ClinVar aggregate classification (germline): Likely benign. Review status: criteria provided, multiple submitters, no conflicts (2 of 4 stars). 3 submissions from 3 submitters: Likely benign (3). Last evaluated 2026-05-01.

Conditions:
Atrioventricular septal defect 5 (AVSD5). Identifiers: MedGen C3280939, MONDO:0013769, OMIM 614474.

Allele frequency attached by ClinVar (database versions not stated): gnomAD 0.00022; gnomAD exomes 0.00022 and 0.00019; TOPMed 0.00022; ESP Exome Variant Server 0.00026; ExAC 0.00032.
gnomAD v4.1: 292 of 1,588,344 alleles (0.018%); highest among the groups gnomAD compares: Non-Finnish European, 0.021%; 1 homozygote.

Submissions (3):

CeGaT Center for Human Genetics Tuebingen
Classification: Likely benign. Last evaluated: 2026-05-01. Review status: criteria provided, single submitter. Criteria: CeGaT Center For Human Genetics Tuebingen Variant Classification Criteria Version 2. Collection method: clinical testing. Allele origin: germline. Affected: yes. Observed: 1 variant allele.
Comment: GATA6: BP4, BP7

Labcorp Genetics (formerly Invitae), Labcorp
Classification: Likely benign for Atrioventricular septal defect 5. Last evaluated: 2026-02-04. Review status: criteria provided, single submitter. Criteria: Invitae Variant Classification Sherloc (09022015). Collection method: clinical testing. Allele origin: germline.

Blueprint Genetics
Classification: Likely benign. Last evaluated: 2024-11-21. Review status: criteria provided, single submitter. Criteria: ACMG Guidelines, 2015. Collection method: clinical testing. Allele origin: germline.